The following is an entry in ClinVar:

ClinVar aggregate classification (germline): Benign. Review status: criteria provided, multiple submitters, no conflicts (2 of 4 stars). 7 submissions from 4 submitters: Benign (7). Last evaluated 2024-07-15.

Conditions:
Developmental and epileptic encephalopathy 98. Identifiers: MedGen C5562017, MONDO:0030472, OMIM 619605.
Fetal akinesia, respiratory insufficiency, microcephaly, polymicrogyria, and dysmorphic facies. Identifiers: MedGen C5562015, MONDO:0859204, OMIM 619602.
Migraine, familial hemiplegic, 2. Identifiers: Orphanet 569, MedGen C1865322, MONDO:0011232, OMIM 602481.
Alternating hemiplegia of childhood 1 (AHC1). Identifiers: Orphanet 2131, MedGen C3549447, MONDO:0007087, OMIM 104290.

Allele frequency attached by ClinVar (database versions not stated): 1000 Genomes Project 30x 0.06433; TOPMed 0.08387; gnomAD 0.09320 and 0.09326; gnomAD exomes 0.11584; 1000 Genomes Project 0.06290.
gnomAD v4.1: 162,031 of 1,432,342 alleles (11%); highest among the groups gnomAD compares: Admixed American, 13%; 10,023 homozygotes.

Submissions (7):

Unidad de Genómica Garrahan, Hospital de Pediatría Garrahan
Classification: Benign. Last evaluated: 2024-07-15. Review status: criteria provided, single submitter. Criteria: ACMG Guidelines, 2015. Collection method: clinical testing. Allele origin: germline. Affected: no. Observed: 19 variant alleles.
Comment: This variant is classified as Benign based on local population frequency. This variant was detected in 20% of patients studied in a panel designed for Epileptic and Developmental Encephalopathy and Progressive Myoclonus Epilepsy. Number of patients: 19. Only high quality variants are reported.

Genome-Nilou Lab
Classification: Benign for Alternating hemiplegia of childhood 1. Last evaluated: 2021-12-05. Review status: criteria provided, single submitter. Criteria: ACMG Guidelines, 2015. Collection method: clinical testing. Allele origin: germline. Affected: no.

Genome-Nilou Lab
Classification: Benign for Developmental and epileptic encephalopathy 98. Last evaluated: 2021-12-05. Review status: criteria provided, single submitter. Criteria: ACMG Guidelines, 2015. Collection method: clinical testing. Allele origin: germline. Affected: no.

Genome-Nilou Lab
Classification: Benign for Fetal akinesia, respiratory insufficiency, microcephaly, polymicrogyria, and dysmorphic facies. Last evaluated: 2021-12-05. Review status: criteria provided, single submitter. Criteria: ACMG Guidelines, 2015. Collection method: clinical testing. Allele origin: germline. Affected: no.

Genome-Nilou Lab
Classification: Benign for Migraine, familial hemiplegic, 2. Last evaluated: 2021-12-05. Review status: criteria provided, single submitter. Criteria: ACMG Guidelines, 2015. Collection method: clinical testing. Allele origin: germline. Affected: no.

GeneDx
Classification: Benign. Last evaluated: 2018-06-26. Review status: criteria provided, single submitter. Criteria: GeneDx Variant Classification Process June 2021. Collection method: clinical testing. Allele origin: germline. Affected: yes.

Breakthrough Genomics
Classification: Benign. Review status: criteria provided, single submitter. Criteria: ACMG Guidelines, 2015. Collection method: not provided. Allele origin: germline. Inheritance: Autosomal recessive inheritance. Affected: yes.

NM_000702.4(ATP1A2):c.177+95T>C

Gene: ATP1A2 (ATPase Na+/K+ transporting subunit alpha 2; plus strand). Cytogenetic location: 1q23.2.
Variant type: single nucleotide variant.
Coding change: c.177+95T>C on transcript NM_000702.4 (MANE Select); 95 bases into the intron after coding-DNA position 177, T replaced by C.
Molecular consequence: intron variant.
Genome position (GRCh38, 1-based): chr1:160,121,346, T>C. VCF-style: chr1-160121346-T-C. GRCh37 (hg19) VCF-style: chr1-160091136-T-C.
Identifiers: ClinVar variation 1291203 (VCV001291203.6), dbSNP rs17846705, ClinGen allele CA15068323.